The following is an entry in ClinVar:

NM_017763.6(RNF43):c.1844G>A (p.Cys615Tyr)

Gene: RNF43 (ring finger protein 43; minus strand). Cytogenetic location: 17q22.
Variant type: single nucleotide variant.
Coding change: c.1844G>A on transcript NM_017763.6 (MANE Select); coding-DNA position 1844, G replaced by A.
Protein change: p.Cys615Tyr; replaces cysteine 615 with tyrosine.
Molecular consequence: missense variant.
Genome position (GRCh38, 1-based): chr17:58,357,932, C>T on the plus strand (G>A on the coding strand, the complement: RNF43 is on the minus strand). VCF-style: chr17-58357932-C-T. GRCh37 (hg19) VCF-style: chr17-56435293-C-T.
Other names: c.1844G>A, p.Cys615Tyr (NM_001305544.3); c.1463G>A, p.Cys488Tyr (NM_001305545.2); short protein forms C615Y, C488Y.
Identifiers: ClinVar variation 3434500 (VCV003434500.1).
Genomic context (GRCh38, chr17:58,357,932, plus strand): 5'-CTGGGGCAGATGCTGGAGGCGTCAACTGGGCCAGGGGCTGGCTCAGGGAGGGCCCTGGGG[C>T]ACTGTGGGTTAGAGAGCCGCCCCGAAGGGGCTGCTGAGTTGGATCTGGTGACTTGCTGAT-3'
Protein context (NP_060233.3, residues 605-625): APSGRLSNPQ[Cys615Tyr]PRALPEPAPG

ClinVar aggregate classification (germline): Uncertain significance (1 of 4 stars; one submission).

Submission:

Ambry Genetics
Classification: Uncertain significance. Last evaluated: 2024-11-18. Review status: criteria provided, single submitter. Criteria: Ambry Variant Classification Scheme 2023. Collection method: clinical testing. Allele origin: germline.
Comment: The p.C615Y variant (also known as c.1844G>A), located in coding exon 8 of the RNF43 gene, results from a G to A substitution at nucleotide position 1844. The cysteine at codon 615 is replaced by tyrosine, an amino acid with highly dissimilar properties. This amino acid position is conserved. In addition, this alteration is predicted to be tolerated by in silico analysis. Based on the available evidence, the clinical significance of this variant remains unclear.